The following is an entry in ClinVar:

ClinVar aggregate classification (germline): Uncertain significance (1 of 4 stars; one submission).

Conditions:
Primary dilated cardiomyopathy (DCM). Also called: Dilated Cardiomyopathy. Identifiers: Orphanet 217604, MedGen C0007193, MeSH D002311, MONDO:0005021, HP:0001644. Inheritance: Various modes of inheritance.

Allele frequency attached by ClinVar (database versions not stated): TOPMed below 0.00001; ExAC 0.00001; gnomAD exomes 0.00001.
gnomAD v4.1: 11 of 1,614,036 alleles (0.00068%); highest among the groups gnomAD compares: East Asian, 0.0022%; no homozygotes.

Submission:

Labcorp Genetics (formerly Invitae), Labcorp
Classification: Uncertain significance for Primary dilated cardiomyopathy. Last evaluated: 2022-08-09. Review status: criteria provided, single submitter. Criteria: Invitae Variant Classification Sherloc (09022015). Collection method: clinical testing. Allele origin: germline.
Comment: In summary, the available evidence is currently insufficient to determine the role of this variant in disease. Therefore, it has been classified as a Variant of Uncertain Significance. Algorithms developed to predict the effect of missense changes on protein structure and function (SIFT, PolyPhen-2, Align-GVGD) all suggest that this variant is likely to be disruptive. ClinVar contains an entry for this variant (Variation ID: 1449600). This variant has not been reported in the literature in individuals affected with FHL2-related conditions. This variant is present in population databases (rs766070936, gnomAD 0.003%). This sequence change replaces arginine, which is basic and polar, with glutamine, which is neutral and polar, at codon 59 of the FHL2 protein (p.Arg59Gln).

NM_001318895.3(FHL2):c.176G>A (p.Arg59Gln)

Genes: C2orf49 (chromosome 2 open reading frame 49; plus strand), FHL2 (four and a half LIM domains 2; minus strand). Cytogenetic location: 2q12.2.
Variant type: single nucleotide variant.
Coding change: c.176G>A on transcript NM_001318895.3 (MANE Select); coding-DNA position 176, G replaced by A.
Protein change: p.Arg59Gln; replaces arginine 59 with glutamine.
Molecular consequence: missense variant. On other transcripts: 5 prime UTR variant (1), intron variant (2).
Genome position (GRCh38, 1-based): chr2:105,373,714, C>T on the plus strand (G>A on the coding strand, the complement: FHL2 is on the minus strand). VCF-style: chr2-105373714-C-T. GRCh37 (hg19) VCF-style: chr2-105990171-C-T.
Other names: c.176G>A, p.Arg59Gln (NM_001039492.3, NM_001318894.1, NM_001318896.2 and 4 more transcripts); c.-149G>A (NM_001318899.2); c.-11-5975G>A (NM_001318897.2, NM_001318898.2); short protein forms R59Q.
Identifiers: ClinVar variation 1449600 (VCV001449600.8), dbSNP rs766070936, ClinGen allele CA1814805.
Genomic context (GRCh38, chr2:105,373,714, plus strand): 5'-GGCTTGTCCACCAGTGAGTTTCTGCACTGCGAGCAGTGGAAACAGGCTTCATGCCAGTGC[C>T]GGTCCTTGTAAGACAAGTCCTGTGGGGCCAGACCACACAAGACAGTCAGAGGCAGGACAG-3'
Protein context (NP_001305824.1, residues 49-69): CDCKDLSYKD[Arg59Gln]HWHEACFHCS